The following is an entry in ClinVar:

NM_025179.4(PLXNA2):c.212A>G (p.Tyr71Cys)

Gene: PLXNA2 (plexin A2; minus strand). Cytogenetic location: 1q32.2.
Variant type: single nucleotide variant.
Coding change: c.212A>G on transcript NM_025179.4 (MANE Select); coding-DNA position 212, A replaced by G.
Protein change: p.Tyr71Cys; replaces tyrosine 71 with cysteine.
Molecular consequence: missense variant.
Genome position (GRCh38, 1-based): chr1:208,217,711, T>C on the plus strand (A>G on the coding strand, the complement: PLXNA2 is on the minus strand). VCF-style: chr1-208217711-T-C. GRCh37 (hg19) VCF-style: chr1-208391056-T-C.
Other names: c.212A>G (NM_025179.3); short protein forms Y71C.
Identifiers: ClinVar variation 2861766 (VCV002861766.4), dbSNP rs2527199639, ClinGen allele CA344560199.

ClinVar aggregate classification (germline): Uncertain significance. Review status: criteria provided, single submitter (1 of 4 stars). 2 submissions from 2 submitters: Uncertain significance (1). 1 of the submissions does not count toward it. Last evaluated 2025-06-12.

Conditions:
PLXNA2-related disorder. Also called: PLXNA2-related condition.

Allele frequency attached by ClinVar (database versions not stated): gnomAD exomes below 0.00001.
gnomAD v4.1: 4 of 1,614,216 alleles (0.00025%); highest among the groups gnomAD compares: Non-Finnish European, 0.00025%; no homozygotes.

Submissions (2):

Labcorp Genetics (formerly Invitae), Labcorp
Classification: Uncertain significance. Last evaluated: 2025-06-12. Review status: criteria provided, single submitter. Criteria: Invitae Variant Classification Sherloc (09022015). Collection method: clinical testing. Allele origin: germline.
Comment: This sequence change replaces tyrosine, which is neutral and polar, with cysteine, which is neutral and slightly polar, at codon 71 of the PLXNA2 protein (p.Tyr71Cys). This variant is not present in population databases (gnomAD no frequency). This variant has not been reported in the literature in individuals affected with PLXNA2-related conditions. ClinVar contains an entry for this variant (Variation ID: 2861766). Invitae Evidence Modeling of protein sequence and biophysical properties (such as structural, functional, and spatial information, amino acid conservation, physicochemical variation, residue mobility, and thermodynamic stability) indicates that this missense variant is expected to disrupt PLXNA2 protein function with a positive predictive value of 80%. In summary, the available evidence is currently insufficient to determine the role of this variant in disease. Therefore, it has been classified as a Variant of Uncertain Significance.

PreventionGenetics, part of Exact Sciences
Classification: Uncertain significance for PLXNA2-related condition. Last evaluated: 2023-11-07. Review status: no assertion criteria provided. Collection method: clinical testing. Allele origin: germline. Not counted in ClinVar's aggregate classification.
Comment: The PLXNA2 c.212A>G variant is predicted to result in the amino acid substitution p.Tyr71Cys. To our knowledge, this variant has not been reported in the literature or in a large population database, indicating this variant is rare. At this time, the clinical significance of this variant is uncertain due to the absence of conclusive functional and genetic evidence.